The following is an entry in ClinVar:

ClinVar aggregate classification (germline): Likely pathogenic (1 of 4 stars; one submission).

Conditions:
Congenital muscular hypertrophy-cerebral syndrome (CDLS2). Also called: SMC1A-Related Cornelia de Lange Syndrome; Cornelia de Lange syndrome 2. Identifiers: Orphanet 199, MedGen C1802395, MONDO:0010370, OMIM 300590.

Submission:

Labcorp Genetics (formerly Invitae), Labcorp
Classification: Likely pathogenic for Congenital muscular hypertrophy-cerebral syndrome. Last evaluated: 2021-05-18. Review status: criteria provided, single submitter. Criteria: Invitae Variant Classification Sherloc (09022015). Collection method: clinical testing. Allele origin: germline.
Comment: In summary, the currently available evidence indicates that the variant is pathogenic, but additional data are needed to prove that conclusively. Therefore, this variant has been classified as Likely Pathogenic. This variant has been observed in individual(s) with clinical features of Cornelia de Lange syndrome (Invitae). In at least one individual the variant was observed to be de novo. This variant is not present in population databases (ExAC no frequency). This variant, c.1694_1696delinsAGA, is a complex sequence change that results in the deletion of 2 and insertion of 2 amino acid(s) in the SMC1A protein (p.Gly565_Glu566delinsGluLys).

NM_006306.4(SMC1A):c.1694_1696delinsAGA (p.Gly565_Glu566delinsGluLys)

Gene: SMC1A (structural maintenance of chromosomes 1A; minus strand). Cytogenetic location: Xp11.22.
Variant type: Indel.
Coding change: c.1694_1696delinsAGA on transcript NM_006306.4 (MANE Select); coding-DNA positions 1694 to 1696, GGG replaced by AGA.
Protein change: p.Gly565_Glu566delinsGluLys.
Molecular consequence: missense variant.
Genome position (GRCh38, 1-based): chrX:53,405,806-53,405,808, CCC replaced by TCT on the plus strand (GGG replaced by AGA on the coding strand, the reverse complement: SMC1A is on the minus strand). VCF-style: chrX-53405806-CCC-TCT. GRCh37 (hg19) VCF-style: chrX-53432738-CCC-TCT.
Other names: c.1628_1630delinsAGA, p.Gly543_Glu544delinsGluLys (NM_001281463.1).
Identifiers: ClinVar variation 4775512 (VCV004775512.1).